The following is an entry in ClinVar:

ClinVar aggregate classification (germline): Uncertain significance (1 of 4 stars; one submission).

Conditions:
Myoclonic dystonia 11 (DYT11). Also called: DYT-SGCE; Myoclonic dystonia; Dystonia 11; Dystonia, alcohol responsive; Hereditary essential myoclonus; SGCE Myoclonus-Dystonia. Identifiers: Orphanet 36899, MedGen C1834570, MONDO:0008044, OMIM 159900.

gnomAD v4.1: 1 of 1,605,680 alleles (0.000062%); highest among the groups gnomAD compares: South Asian, 0.0011%; no homozygotes.

Submission:

Labcorp Genetics (formerly Invitae), Labcorp
Classification: Uncertain significance for Myoclonic dystonia 11. Last evaluated: 2021-09-17. Review status: criteria provided, single submitter. Criteria: Invitae Variant Classification Sherloc (09022015). Collection method: clinical testing. Allele origin: germline.
Comment: This sequence change replaces threonine with asparagine at codon 138 of the SGCE protein (p.Thr138Asn). The threonine residue is highly conserved and there is a small physicochemical difference between threonine and asparagine. In summary, the available evidence is currently insufficient to determine the role of this variant in disease. Therefore, it has been classified as a Variant of Uncertain Significance. Algorithms developed to predict the effect of missense changes on protein structure and function are either unavailable or do not agree on the potential impact of this missense change (SIFT: "Tolerated"; PolyPhen-2: "Probably Damaging"; Align-GVGD: "Class C0"). This variant has not been reported in the literature in individuals affected with SGCE-related conditions. This variant is not present in population databases (ExAC no frequency).

NM_003919.3(SGCE):c.413C>A (p.Thr138Asn)

Genes: CASD1 (CAS1 domain sialic acid O acetyltransferase 1; plus strand), SGCE (sarcoglycan epsilon; minus strand). Cytogenetic location: 7q21.3.
Variant type: single nucleotide variant.
Coding change: c.413C>A on transcript NM_003919.3 (MANE Select); coding-DNA position 413, C replaced by A.
Protein change: p.Thr138Asn; replaces threonine 138 with asparagine.
Molecular consequence: missense variant.
Genome position (GRCh38, 1-based): chr7:94,623,375, G>T on the plus strand (C>A on the coding strand, the complement: SGCE is on the minus strand). VCF-style: chr7-94623375-G-T. GRCh37 (hg19) VCF-style: chr7-94252687-G-T.
Other names: c.413C>A, p.Thr138Asn (NM_001099400.2, NM_001099401.2, NM_001346717.2); c.290C>A, p.Thr97Asn (NM_001301139.2, NM_001362809.2); c.521C>A, p.Thr174Asn (NM_001346713.2, NM_001346715.2); c.326C>A, p.Thr109Asn (NM_001346719.2, NM_001362807.2); c.140C>A, p.Thr47Asn (NM_001346720.2, NM_001362808.2); short protein forms T109N, T138N, T174N, T97N, T47N.
Identifiers: ClinVar variation 1381666 (VCV001381666.6), dbSNP rs777335847, ClinGen allele CA368236847.